The following is an entry in ClinVar:

NM_000070.3(CAPN3):c.1742C>G (p.Ser581Cys)

Gene: CAPN3 (calpain 3; plus strand). Cytogenetic location: 15q15.1.
Variant type: single nucleotide variant.
Coding change: c.1742C>G on transcript NM_000070.3 (MANE Select); coding-DNA position 1742, C replaced by G.
Protein change: p.Ser581Cys; replaces serine 581 with cysteine.
Molecular consequence: missense variant.
Genome position (GRCh38, 1-based): chr15:42,402,999, C>G. VCF-style: chr15-42402999-C-G. GRCh37 (hg19) VCF-style: chr15-42695197-C-G.
Other names: c.1742C>G, p.Ser581Cys (NM_024344.2); c.1598C>G, p.Ser533Cys (NM_173087.2); c.206C>G, p.Ser69Cys (NM_173088.2); c.*858C>G (NM_212464.2); c.*1435C>G (NM_212467.2); short protein forms S69C, S533C, S581C.
Identifiers: ClinVar variation 2736182 (VCV002736182.3), dbSNP rs2548279629, ClinGen allele CA392000503.
Genomic context (GRCh38, chr15:42,402,999, plus strand): 5'-ACGAGCCCCACCAGGAGGGGGAATTCATCCTCCGGGTCTTCTCTGAAAAGAGGAACCTCT[C>G]TGAGTGAGTGCTGGCCCAGCTTTCCCACGTGTTTCTAAAAGCTCACATGGCCCACTCCAG-3'
Protein context (NP_000061.1, residues 571-591): LRVFSEKRNL[Ser581Cys]EEVENTISVD

ClinVar aggregate classification (germline): Likely pathogenic (1 of 4 stars; one submission).

Conditions:
Autosomal recessive limb-girdle muscular dystrophy type 2A (LGMDR1). Also called: Calpainopathy; Muscular dystrophy, limb-girdle, type 2A, Amish; LEYDEN-MOEBIUS MUSCULAR DYSTROPHY; MUSCULAR DYSTROPHY, PELVOFEMORAL; Limb-girdle muscular dystrophy, type 2A. Identifiers: Orphanet 267, MedGen C1869123, MONDO:0009675, OMIM 253600. Disease mechanism: loss of function.

Allele frequency attached by ClinVar (database versions not stated): gnomAD exomes below 0.00001.
gnomAD v4.1: 1 of 1,613,704 alleles (0.000062%); highest among the groups gnomAD compares: East Asian, 0.0022%; no homozygotes.

Submission:

Labcorp Genetics (formerly Invitae), Labcorp
Classification: Likely pathogenic for Autosomal recessive limb-girdle muscular dystrophy type 2A. Last evaluated: 2023-09-06. Review status: criteria provided, single submitter. Criteria: Invitae Variant Classification Sherloc (09022015). Collection method: clinical testing. Allele origin: germline.
Comment: Advanced modeling of protein sequence and biophysical properties (such as structural, functional, and spatial information, amino acid conservation, physicochemical variation, residue mobility, and thermodynamic stability) performed at Invitae indicates that this missense variant is expected to disrupt CAPN3 protein function. This missense change has been observed in individuals with autosomal recessive limb-girdle muscular dystrophy (PMID: 11525884, 17258832, 27066573). This variant is not present in population databases (gnomAD no frequency). This sequence change replaces serine, which is neutral and polar, with cysteine, which is neutral and slightly polar, at codon 581 of the CAPN3 protein (p.Ser581Cys). Algorithms developed to predict the effect of sequence changes on RNA splicing suggest that this variant may create or strengthen a splice site. In summary, the currently available evidence indicates that the variant is pathogenic, but additional data are needed to prove that conclusively. Therefore, this variant has been classified as Likely Pathogenic.

Literature cited by the submitters: PubMed 11525884; PubMed 17258832; PubMed 27066573.